The following is an entry in ClinVar:

NM_003803.4(MYOM1):c.2597C>T (p.Pro866Leu)

Gene: MYOM1 (myomesin 1; minus strand). Cytogenetic location: 18p11.31.
Variant type: single nucleotide variant.
Coding change: c.2597C>T on transcript NM_003803.4 (MANE Select); coding-DNA position 2597, C replaced by T.
Protein change: p.Pro866Leu; replaces proline 866 with leucine.
Molecular consequence: missense variant. On other transcripts: intron variant (1).
Genome position (GRCh38, 1-based): chr18:3,129,429, G>A on the plus strand (C>T on the coding strand, the complement: MYOM1 is on the minus strand). VCF-style: chr18-3129429-G-A. GRCh37 (hg19) VCF-style: chr18-3129427-G-A.
Other names: c.2506+1946C>T (NM_019856.2); short protein forms P866L.
Identifiers: ClinVar variation 862670 (VCV000862670.10), dbSNP rs200218235, ClinGen allele CA8874571.

ClinVar aggregate classification (germline): Uncertain significance (1 of 4 stars; one submission).

Conditions:
Hypertrophic cardiomyopathy. Also called: HYPERTROPHIC MYOCARDIOPATHY. Identifiers: Orphanet 217569, MedGen C0007194, MeSH D002312, MONDO:0005045, HP:0001639.

Allele frequency attached by ClinVar (database versions not stated): gnomAD 0.00001 and 0.00003; TOPMed 0.00003; gnomAD exomes 0.00004; ExAC 0.00005; 1000 Genomes Project 0.00020; 1000 Genomes Project 30x 0.00031.
gnomAD v4.1: 38 of 1,613,928 alleles (0.0024%); highest among the groups gnomAD compares: East Asian, 0.02%; no homozygotes.

Submission:

Labcorp Genetics (formerly Invitae), Labcorp
Classification: Uncertain significance for Hypertrophic cardiomyopathy. Last evaluated: 2023-08-02. Review status: criteria provided, single submitter. Criteria: Invitae Variant Classification Sherloc (09022015). Collection method: clinical testing. Allele origin: germline.
Comment: This variant is present in population databases (rs200218235, gnomAD 0.05%). In summary, the available evidence is currently insufficient to determine the role of this variant in disease. Therefore, it has been classified as a Variant of Uncertain Significance. Algorithms developed to predict the effect of missense changes on protein structure and function output the following: SIFT: "Not Available"; PolyPhen-2: "Benign"; Align-GVGD: "Not Available". The leucine amino acid residue is found in multiple mammalian species, which suggests that this missense change does not adversely affect protein function. ClinVar contains an entry for this variant (Variation ID: 862670). This variant has not been reported in the literature in individuals affected with MYOM1-related conditions. This sequence change replaces proline, which is neutral and non-polar, with leucine, which is neutral and non-polar, at codon 866 of the MYOM1 protein (p.Pro866Leu).